The following is an entry in ClinVar:

NM_004304.5(ALK):c.2815G>A (p.Gly939Ser)

Gene: ALK (ALK receptor tyrosine kinase; minus strand). Cytogenetic location: 2p23.2.
Variant type: single nucleotide variant.
Coding change: c.2815G>A on transcript NM_004304.5 (MANE Select); coding-DNA position 2815, G replaced by A.
Protein change: p.Gly939Ser; replaces glycine 939 with serine.
Molecular consequence: missense variant.
Genome position (GRCh38, 1-based): chr2:29,228,884, C>T on the plus strand (G>A on the coding strand, the complement: ALK is on the minus strand). VCF-style: chr2-29228884-C-T. GRCh37 (hg19) VCF-style: chr2-29451750-C-T.
Other names: short protein forms G939S.
Identifiers: ClinVar variation 2034848 (VCV002034848.4), dbSNP rs1401882047, ClinGen allele CA346469448.

ClinVar aggregate classification (germline): Uncertain significance (1 of 4 stars; one submission).

Conditions:
Neuroblastoma, susceptibility to, 3. Also called: ALK-Related Neuroblastic Tumor Susceptibility. Identifiers: Orphanet 635, MedGen C2751681, MONDO:0013083, OMIM 613014.

Submission:

Labcorp Genetics (formerly Invitae), Labcorp
Classification: Uncertain significance for Neuroblastoma, susceptibility to, 3. Last evaluated: 2022-10-17. Review status: criteria provided, single submitter. Criteria: Invitae Variant Classification Sherloc (09022015). Collection method: clinical testing. Allele origin: germline.
Comment: In summary, the available evidence is currently insufficient to determine the role of this variant in disease. Therefore, it has been classified as a Variant of Uncertain Significance. Variants that disrupt the consensus splice site are a relatively common cause of aberrant splicing (PMID: 17576681, 9536098). Algorithms developed to predict the effect of sequence changes on RNA splicing suggest that this variant may disrupt the consensus splice site. This sequence change replaces glycine, which is neutral and non-polar, with serine, which is neutral and polar, at codon 939 of the ALK protein (p.Gly939Ser). This variant also falls at the last nucleotide of exon 16, which is part of the consensus splice site for this exon. This variant is present in population databases (no rsID available, gnomAD 0.0009%). This variant has not been reported in the literature in individuals affected with ALK-related conditions. Algorithms developed to predict the effect of missense changes on protein structure and function (SIFT, PolyPhen-2, Align-GVGD) all suggest that this variant is likely to be disruptive.

Literature cited by the submitters: PubMed 17576681; PubMed 9536098.